The following is an entry in ClinVar:

NM_001384732.1(CPLANE1):c.6227A>G (p.Asn2076Ser)

Gene: CPLANE1 (ciliogenesis and planar polarity effector complex subunit 1; minus strand). Cytogenetic location: 5p13.2.
Variant type: single nucleotide variant.
Coding change: c.6227A>G on transcript NM_001384732.1 (MANE Select); coding-DNA position 6227, A replaced by G.
Protein change: p.Asn2076Ser; replaces asparagine 2076 with serine.
Molecular consequence: missense variant.
Genome position (GRCh38, 1-based): chr5:37,170,276, T>C on the plus strand (A>G on the coding strand, the complement: CPLANE1 is on the minus strand). VCF-style: chr5-37170276-T-C. GRCh37 (hg19) VCF-style: chr5-37170378-T-C.
Other names: c.6227A>G, p.Asn2076Ser (NM_023073.4); short protein forms N2076S.
Identifiers: ClinVar variation 2022198 (VCV002022198.4), dbSNP rs1182101030, ClinGen allele CA359482681.

ClinVar aggregate classification (germline): Uncertain significance (1 of 4 stars; one submission).

Submission:

Labcorp Genetics (formerly Invitae), Labcorp
Classification: Uncertain significance. Last evaluated: 2022-08-06. Review status: criteria provided, single submitter. Criteria: Invitae Variant Classification Sherloc (09022015). Collection method: clinical testing. Allele origin: germline.
Comment: This variant is not present in population databases (gnomAD no frequency). This sequence change replaces asparagine, which is neutral and polar, with serine, which is neutral and polar, at codon 2076 of the CPLANE1 protein (p.Asn2076Ser). This variant has not been reported in the literature in individuals affected with CPLANE1-related conditions. In summary, the available evidence is currently insufficient to determine the role of this variant in disease. Therefore, it has been classified as a Variant of Uncertain Significance. Advanced modeling of protein sequence and biophysical properties (such as structural, functional, and spatial information, amino acid conservation, physicochemical variation, residue mobility, and thermodynamic stability) performed at Invitae indicates that this missense variant is not expected to disrupt CPLANE1 protein function.